The following is an entry in ClinVar:

ClinVar aggregate classification (germline): Uncertain significance (1 of 4 stars; one submission).

Conditions:
Charcot-Marie-Tooth disease axonal type 2O. Also called: CHARCOT-MARIE-TOOTH NEUROPATHY, AXONAL, TYPE 2O; CHARCOT-MARIE-TOOTH DISEASE, AXONAL, AUTOSOMAL DOMINANT, TYPE 2O; Charcot-Marie-Tooth Neuropathy Type 2O; Charcot-Marie-Tooth disease, axonal, type 20. Identifiers: Orphanet 284232, MedGen C3280220, MONDO:0013644, OMIM 614228.

Submission:

Labcorp Genetics (formerly Invitae), Labcorp
Classification: Uncertain significance for Charcot-Marie-Tooth disease axonal type 2O. Last evaluated: 2021-09-15. Review status: criteria provided, single submitter. Criteria: Invitae Variant Classification Sherloc (09022015). Collection method: clinical testing. Allele origin: germline.
Comment: This variant has not been reported in the literature in individuals with DYNC1H1-related conditions. In summary, the available evidence is currently insufficient to determine the role of this variant in disease. Therefore, it has been classified as a Variant of Uncertain Significance. Advanced modeling of protein sequence and biophysical properties (such as structural, functional, and spatial information, amino acid conservation, physicochemical variation, residue mobility, and thermodynamic stability) performed at Invitae indicates that this missense variant is not expected to disrupt DYNC1H1 protein function. This variant is not present in population databases (ExAC no frequency). This sequence change replaces valine with phenylalanine at codon 913 of the DYNC1H1 protein (p.Val913Phe). The valine residue is moderately conserved and there is a small physicochemical difference between valine and phenylalanine.

NM_001376.5(DYNC1H1):c.2737G>T (p.Val913Phe)

Gene: DYNC1H1 (dynein cytoplasmic 1 heavy chain 1; plus strand). Cytogenetic location: 14q32.31.
Variant type: single nucleotide variant.
Coding change: c.2737G>T on transcript NM_001376.5 (MANE Select); coding-DNA position 2737, G replaced by T.
Protein change: p.Val913Phe; replaces valine 913 with phenylalanine.
Molecular consequence: missense variant.
Genome position (GRCh38, 1-based): chr14:101,988,721, G>T. VCF-style: chr14-101988721-G-T. GRCh37 (hg19) VCF-style: chr14-102455058-G-T.
Other names: short protein forms V913F.
Identifiers: ClinVar variation 1398227 (VCV001398227.8), dbSNP rs372740994, ClinGen allele CA391028301.
Genomic context (GRCh38, chr14:101,988,721, plus strand): 5'-TTTTAGAAGAAACACTGTTCTCTGATATAACGTTGTCTGTAGATTGAAAGAATATTGGGC[G>T]TCCGTCTGCAAGCTGGCCTGAGAGCTTGGACGCAGGTTCTTCTTGGACAAGCTGAAGATA-3'
Protein context (NP_001367.2, residues 903-923): LDMEIERILG[Val913Phe]RLQAGLRAWT